The following is an entry in ClinVar:

ClinVar aggregate classification (germline): Likely benign (0 of 4 stars; one submission).

Conditions:
DCHS2-related disorder. Also called: DCHS2-related condition.

Allele frequency attached by ClinVar (database versions not stated): gnomAD 0.00015; TOPMed 0.00019; 1000 Genomes Project 0.00020; ExAC 0.00030; 1000 Genomes Project 30x 0.00062.
gnomAD v4.1: 124 of 1,542,072 alleles (0.008%); highest among the groups gnomAD compares: East Asian, 0.16%; no homozygotes.

Submission:

PreventionGenetics, part of Exact Sciences
Classification: Likely benign for DCHS2-related condition. Last evaluated: 2019-10-28. Review status: no assertion criteria provided. Collection method: clinical testing. Allele origin: germline.
Comment: This variant is classified as likely benign based on ACMG/AMP sequence variant interpretation guidelines (Richards et al. 2015 PMID: 25741868, with internal and published modifications).

NM_001358235.2(DCHS2):c.795G>A (p.Gln265=)

Gene: DCHS2 (dachsous cadherin-related 2; minus strand). Cytogenetic location: 4q31.3.
Variant type: single nucleotide variant.
Coding change: c.795G>A on transcript NM_001358235.2 (MANE Select); coding-DNA position 795, G replaced by A.
Protein change: p.Gln265=; no amino-acid change (glutamine 265 retained).
Molecular consequence: synonymous variant.
Genome position (GRCh38, 1-based): chr4:154,490,561, C>T on the plus strand (G>A on the coding strand, the complement: DCHS2 is on the minus strand). VCF-style: chr4-154490561-C-T. GRCh37 (hg19) VCF-style: chr4-155411713-C-T.
Other names: c.795G>A, p.Gln265= (NM_001142552.2, NM_001412223.1).
Identifiers: ClinVar variation 3041140 (VCV003041140.2), dbSNP rs559993963, ClinGen allele CA3113868.